The following is an entry in ClinVar:

ClinVar aggregate classification (germline): Likely benign. Review status: criteria provided, multiple submitters, no conflicts (2 of 4 stars). 2 submissions from 2 submitters: Likely benign (2). Last evaluated 2025-10-01.

Conditions:
3-methylcrotonyl-CoA carboxylase 2 deficiency. Also called: 3 alpha methylcrotonyl-CoA carboxylase 2 deficiency; 3 alpha methylcrotonylglycinuria 2; MCC 2 deficiency; Methylcrotonylglycinuria type 2; METHYLCROTONYLGLYCINURIA, TYPE II. Identifiers: Orphanet 6, MedGen C1859499, MONDO:0008862, OMIM 210210.

Allele frequency attached by ClinVar (database versions not stated): gnomAD exomes below 0.00001.
gnomAD v4.1: 4 of 1,613,168 alleles (0.00025%); highest among the groups gnomAD compares: Non-Finnish European, 0.00034%; no homozygotes.

Submissions (2):

CeGaT Center for Human Genetics Tuebingen
Classification: Likely benign. Last evaluated: 2025-10-01. Review status: criteria provided, single submitter. Criteria: CeGaT Center For Human Genetics Tuebingen Variant Classification Criteria Version 2. Collection method: clinical testing. Allele origin: germline. Affected: yes. Observed: 1 variant allele.
Comment: MCCC2: BP4, BP7

Labcorp Genetics (formerly Invitae), Labcorp
Classification: Likely benign for 3-methylcrotonyl-CoA carboxylase 2 deficiency. Last evaluated: 2023-06-07. Review status: criteria provided, single submitter. Criteria: Invitae Variant Classification Sherloc (09022015). Collection method: clinical testing. Allele origin: germline.

NM_022132.5(MCCC2):c.183G>A (p.Glu61=)

Gene: MCCC2 (methylcrotonyl-CoA carboxylase subunit 2; plus strand). Cytogenetic location: 5q13.2.
Variant type: single nucleotide variant.
Coding change: c.183G>A on transcript NM_022132.5 (MANE Select); coding-DNA position 183, G replaced by A.
Protein change: p.Glu61=; no amino-acid change (glutamic acid 61 retained).
Molecular consequence: synonymous variant.
Genome position (GRCh38, 1-based): chr5:71,592,979, G>A. VCF-style: chr5-71592979-G-A. GRCh37 (hg19) VCF-style: chr5-70888806-G-A.
Other names: c.183G>A, p.Glu61= (NM_001363147.1).
Identifiers: ClinVar variation 2884874 (VCV002884874.9), dbSNP rs1745040686, ClinGen allele CA444799849.